The following is an entry in ClinVar:

ClinVar aggregate classification (germline): Uncertain significance (1 of 4 stars; one submission).

Allele frequency attached by ClinVar (database versions not stated): gnomAD exomes below 0.00001 and 0.00001; TOPMed 0.00002; gnomAD 0.00003 and 0.00004.
gnomAD v4.1: 8 of 1,556,734 alleles (0.00051%); highest among the groups gnomAD compares: African/African-American, 0.0082%; no homozygotes.

Submission:

Labcorp Genetics (formerly Invitae), Labcorp
Classification: Uncertain significance. Last evaluated: 2021-11-01. Review status: criteria provided, single submitter. Criteria: Invitae Variant Classification Sherloc (09022015). Collection method: clinical testing. Allele origin: germline.
Comment: In summary, the available evidence is currently insufficient to determine the role of this variant in disease. Therefore, it has been classified as a Variant of Uncertain Significance. This sequence change replaces glutamine, which is neutral and polar, with histidine, which is basic and polar, at codon 39 of the FGFRL1 protein (p.Gln39His). This variant has not been reported in the literature in individuals affected with FGFRL1-related conditions. Algorithms developed to predict the effect of missense changes on protein structure and function (SIFT, PolyPhen-2, Align-GVGD) all suggest that this variant is likely to be tolerated. This variant is present in population databases (rs755606953, gnomAD 0.005%).

NM_001004356.3(FGFRL1):c.117G>C (p.Gln39His)

Gene: FGFRL1 (fibroblast growth factor receptor like 1; plus strand). Cytogenetic location: 4p16.3.
Variant type: single nucleotide variant.
Coding change: c.117G>C on transcript NM_001004356.3 (MANE Select); coding-DNA position 117, G replaced by C.
Protein change: p.Gln39His; replaces glutamine 39 with histidine.
Molecular consequence: missense variant.
Genome position (GRCh38, 1-based): chr4:1,022,240, G>C. VCF-style: chr4-1022240-G-C. GRCh37 (hg19) VCF-style: chr4-1016028-G-C.
Other names: c.117G>C, p.Gln39His (NM_001004358.1, NM_001370296.1, NM_021923.3); short protein forms Q39H.
Identifiers: ClinVar variation 1393767 (VCV001393767.6), dbSNP rs755606953, ClinGen allele CA2802581.